The following is an entry in ClinVar:

NM_000186.4(CFH):c.1356T>G (p.Ser452Arg)

Gene: CFH (complement factor H; plus strand). Cytogenetic location: 1q31.3.
Variant type: single nucleotide variant.
Coding change: c.1356T>G on transcript NM_000186.4 (MANE Select); coding-DNA position 1356, T replaced by G.
Protein change: p.Ser452Arg; replaces serine 452 with arginine.
Molecular consequence: missense variant.
Genome position (GRCh38, 1-based): chr1:196,713,754, T>G. VCF-style: chr1-196713754-T-G. GRCh37 (hg19) VCF-style: chr1-196682884-T-G.
Other names: short protein forms S452R.
Identifiers: ClinVar variation 2682449 (VCV002682449.1), dbSNP rs1197944373, ClinGen allele CA343981588.

ClinVar aggregate classification (germline): Uncertain significance (1 of 4 stars; one submission).

Submission:

Women's Health and Genetics/Laboratory Corporation of America, LabCorp
Classification: Uncertain significance. Last evaluated: 2023-11-02. Review status: criteria provided, single submitter. Criteria: LabCorp Variant Classification Summary - May 2015. Collection method: clinical testing. Allele origin: germline.
Comment: Variant summary: CFH c.1356T>G (p.Ser452Arg) results in a non-conservative amino acid change in the encoded protein sequence. Four of five in-silico tools predict a benign effect of the variant on protein function. The variant allele was found at a frequency of 4e-06 in 248922 control chromosomes (gnomAD). The available data on variant occurrences in the general population are insufficient to allow any conclusion about variant significance. To our knowledge, no occurrence of c.1356T>G in individuals affected with CFH-Related Disorders and no experimental evidence demonstrating its impact on protein function have been reported. No submitters have cited clinical-significance assessments for this variant to ClinVar after 2014. Based on the evidence outlined above, the variant was classified as uncertain significance.